The following is an entry in ClinVar:

NM_001369268.1(ACAN):c.1596G>C (p.Gln532His)

Gene: ACAN (aggrecan; plus strand). Cytogenetic location: 15q26.1.
Variant type: single nucleotide variant.
Coding change: c.1596G>C on transcript NM_001369268.1 (MANE Select); coding-DNA position 1596, G replaced by C.
Protein change: p.Gln532His; replaces glutamine 532 with histidine.
Molecular consequence: missense variant.
Genome position (GRCh38, 1-based): chr15:88,847,409, G>C. VCF-style: chr15-88847409-G-C. GRCh37 (hg19) VCF-style: chr15-89390640-G-C.
Other names: c.1596G>C, p.Gln532His (NM_001411096.1, NM_001411097.1, NM_013227.4 and 1 more transcripts); short protein forms Q532H.
Identifiers: ClinVar variation 3609833 (VCV003609833.2).

ClinVar aggregate classification (germline): Uncertain significance (1 of 4 stars; one submission).

Submission:

Labcorp Genetics (formerly Invitae), Labcorp
Classification: Uncertain significance. Last evaluated: 2024-11-04. Review status: criteria provided, single submitter. Criteria: Invitae Variant Classification Sherloc (09022015). Collection method: clinical testing. Allele origin: germline.
Comment: This sequence change replaces glutamine, which is neutral and polar, with histidine, which is basic and polar, at codon 532 of the ACAN protein (p.Gln532His). This variant is present in population databases (rs775831150, gnomAD 0.09%). This variant has not been reported in the literature in individuals affected with ACAN-related conditions. Invitae Evidence Modeling of protein sequence and biophysical properties (such as structural, functional, and spatial information, amino acid conservation, physicochemical variation, residue mobility, and thermodynamic stability) indicates that this missense variant is not expected to disrupt ACAN protein function with a negative predictive value of 80%. In summary, the available evidence is currently insufficient to determine the role of this variant in disease. Therefore, it has been classified as a Variant of Uncertain Significance.